The following is an entry in ClinVar:

NM_001164586.2(IGFN1):c.6357A>C (p.Gly2119=)

Gene: IGFN1 (immunoglobulin like and fibronectin type III domain containing 1; plus strand). Cytogenetic location: 1q32.1.
Variant type: single nucleotide variant.
Coding change: c.6357A>C on transcript NM_001164586.2 (MANE Select); coding-DNA position 6357, A replaced by C.
Protein change: p.Gly2119=; no amino-acid change (glycine 2119 retained).
Molecular consequence: synonymous variant. On other transcripts: intron variant (1).
Genome position (GRCh38, 1-based): chr1:201,211,250, A>C. VCF-style: chr1-201211250-A-C. GRCh37 (hg19) VCF-style: chr1-201180378-A-C.
Other names: c.1242-2256A>C (NM_001367841.1).
Identifiers: ClinVar variation 2639764 (VCV002639764.24), dbSNP rs780019575, ClinGen allele CA1322754.
Genomic context (GRCh38, chr1:201,211,250, plus strand): 5'-GTCAATGGATGAGGCAGGTTATAGGAAGGATTTGGGGGCTCCTGAGGGAATAGGTTCAGG[A>C]AGTAAGGCAGGTTTTAGGGATGGTTTAGGGAGTTCTACAGAAATGGGGTCAGTGAATGAG-3'
Protein context (NP_001158058.1, residues 2109-2129): DLGAPEGIGS[Gly2119=]SKAGFRDGLG

ClinVar aggregate classification (germline): Likely benign (1 of 4 stars; one submission).

Allele frequency attached by ClinVar (database versions not stated): gnomAD 0.00002; ExAC 0.00249.

Submission:

CeGaT Center for Human Genetics Tuebingen
Classification: Likely benign. Last evaluated: 2023-09-01. Review status: criteria provided, single submitter. Criteria: CeGaT Center For Human Genetics Tuebingen Variant Classification Criteria Version 2. Collection method: clinical testing. Allele origin: germline. Affected: yes. Observed: 2 variant alleles.
Comment: IGFN1: BP4, BP7